The following is an entry in ClinVar:

ClinVar aggregate classification (germline): Pathogenic/Likely pathogenic. Review status: criteria provided, multiple submitters, no conflicts (2 of 4 stars). 2 submissions from 2 submitters: Pathogenic (1); Likely pathogenic (1). Last evaluated 2022-05-04.

Conditions:
Xeroderma pigmentosum variant type. Also called: PHOTOSENSITIVITY WITH DEFECTIVE DNA SYNTHESIS; XERODERMA PIGMENTOSUM WITH NORMAL DNA REPAIR RATES; POLH-Related Xeroderma Pigmentosum. Identifiers: Orphanet 90342, MedGen C1848410, MONDO:0010214, OMIM 278750.

Allele frequency attached by ClinVar (database versions not stated): gnomAD exomes below 0.00001.
gnomAD v4.1: 3 of 1,613,600 alleles (0.00019%); highest among the groups gnomAD compares: Non-Finnish European, 0.00025%; no homozygotes.

Submissions (2):

Mendelics
Classification: Pathogenic for Xeroderma pigmentosum variant type. Last evaluated: 2022-05-04. Review status: criteria provided, single submitter. Criteria: Mendelics Assertion Criteria 2019. Collection method: clinical testing. Allele origin: germline.

Laboratorio de Genetica e Diagnostico Molecular, Hospital Israelita Albert Einstein
Classification: Likely pathogenic. Last evaluated: 2020-12-15. Review status: criteria provided, single submitter. Criteria: ACMG Guidelines, 2015. Collection method: clinical testing. Allele origin: germline. Affected: yes.
Comment: ACMG classification criteria: PVS1, PM2

NM_006502.3(POLH):c.638C>G (p.Ser213Ter)

Gene: POLH (DNA polymerase eta; plus strand). Cytogenetic location: 6p21.1.
Variant type: single nucleotide variant.
Coding change: c.638C>G on transcript NM_006502.3 (MANE Select); coding-DNA position 638, C replaced by G.
Protein change: p.Ser213Ter; replaces serine 213 with a stop codon.
Molecular consequence: nonsense.
Genome position (GRCh38, 1-based): chr6:43,597,843, C>G. VCF-style: chr6-43597843-C-G. GRCh37 (hg19) VCF-style: chr6-43565580-C-G.
Other names: c.266C>G, p.Ser89Ter (NM_001291969.2); c.638C>G, p.Ser213Ter (NM_001291970.2); short protein forms S213*, S89*.
Identifiers: ClinVar variation 1686085 (VCV001686085.3), dbSNP rs763654639, ClinGen allele CA138324767.